The following is an entry in ClinVar:

ClinVar aggregate classification (germline): Uncertain significance (1 of 4 stars; one submission).

Submission:

Labcorp Genetics (formerly Invitae), Labcorp
Classification: Uncertain significance. Last evaluated: 2025-08-24. Review status: criteria provided, single submitter. Criteria: Invitae Variant Classification Sherloc (09022015). Collection method: clinical testing. Allele origin: germline.
Comment: This sequence change replaces glycine, which is neutral and non-polar, with arginine, which is basic and polar, at codon 146 of the DUOX2 protein (p.Gly146Arg). This variant is not present in population databases (gnomAD no frequency). This variant has not been reported in the literature in individuals affected with DUOX2-related conditions. ClinVar contains an entry for this variant (Variation ID: 1422851). Invitae Evidence Modeling of protein sequence and biophysical properties (such as structural, functional, and spatial information, amino acid conservation, physicochemical variation, residue mobility, and thermodynamic stability) indicates that this missense variant is not expected to disrupt DUOX2 protein function with a negative predictive value of 80%. In summary, the available evidence is currently insufficient to determine the role of this variant in disease. Therefore, it has been classified as a Variant of Uncertain Significance.

NM_001363711.2(DUOX2):c.436G>C (p.Gly146Arg)

Gene: DUOX2 (dual oxidase 2; minus strand). Cytogenetic location: 15q21.1.
Variant type: single nucleotide variant.
Coding change: c.436G>C on transcript NM_001363711.2 (MANE Select); coding-DNA position 436, G replaced by C.
Protein change: p.Gly146Arg; replaces glycine 146 with arginine.
Molecular consequence: missense variant.
Genome position (GRCh38, 1-based): chr15:45,111,845, C>G on the plus strand (G>C on the coding strand, the complement: DUOX2 is on the minus strand). VCF-style: chr15-45111845-C-G. GRCh37 (hg19) VCF-style: chr15-45404043-C-G.
Other names: c.436G>C, p.Gly146Arg (NM_014080.5); short protein forms G146R.
Identifiers: ClinVar variation 1422851 (VCV001422851.6), dbSNP rs2141158195, ClinGen allele CA392279316.
Genomic context (GRCh38, chr15:45,111,845, plus strand): 5'-TGGGACTCCGTCCGGTCTCGGGGTCCCAGCGGCTCCTCTGGAAGGGCAGCACCACGTCCC[C>G]GCGCTGGTCGGGGTCGAACACGGGGTCTCCAGGTGGGATGCGGATGTTGAGGAACTCGGC-3'
Protein context (NP_001350640.1, residues 136-156): GDPVFDPDQR[Gly146Arg]DVVLPFQRSR